The following is an entry in ClinVar:

ClinVar aggregate classification (germline): Uncertain significance (1 of 4 stars; one submission).

gnomAD v4.1: 55 of 1,576,656 alleles (0.0035%); highest among the groups gnomAD compares: East Asian, 0.036%; no homozygotes.

Submission:

Labcorp Genetics (formerly Invitae), Labcorp
Classification: Uncertain significance. Last evaluated: 2025-07-08. Review status: criteria provided, single submitter. Criteria: Invitae Variant Classification Sherloc (09022015). Collection method: clinical testing. Allele origin: germline.
Comment: This sequence change replaces arginine, which is basic and polar, with histidine, which is basic and polar, at codon 452 of the CYP51A1 protein (p.Arg452His). The frequency data for this variant in the population databases is considered unreliable, as metrics indicate poor data quality at this position in the gnomAD database. This variant has not been reported in the literature in individuals affected with CYP51A1-related conditions. An algorithm developed to predict the effect of missense changes on protein structure and function (PolyPhen-2) suggests that this variant is likely to be tolerated. In summary, the available evidence is currently insufficient to determine the role of this variant in disease. Therefore, it has been classified as a Variant of Uncertain Significance.

NM_000786.4(CYP51A1):c.1355G>A (p.Arg452His)

Gene: CYP51A1 (cytochrome P450 family 51 subfamily A member 1; minus strand). Cytogenetic location: 7q21.2.
Variant type: single nucleotide variant.
Coding change: c.1355G>A on transcript NM_000786.4 (MANE Select); coding-DNA position 1355, G replaced by A.
Protein change: p.Arg452His; replaces arginine 452 with histidine.
Molecular consequence: missense variant.
Genome position (GRCh38, 1-based): chr7:92,113,840, C>T on the plus strand (G>A on the coding strand, the complement: CYP51A1 is on the minus strand). VCF-style: chr7-92113840-C-T. GRCh37 (hg19) VCF-style: chr7-91743154-C-T.
Other names: c.1040G>A, p.Arg347His (NM_001146152.2); short protein forms R347H, R452H.
Identifiers: ClinVar variation 4709167 (VCV004709167.1).
Genomic context (GRCh38, chr7:92,113,840, plus strand): 5'-ATAGTGGACCAAATTGTCTTAATTTGAACATAGGCAAAATTTTCCCCAATACAACGATGA[C>T]GCCCTAAAAAAAAGAAAAAGTTATAAGAATCAGTTTAAATTCTTTCTCATCCTTTTTAGC-3'
Protein context (NP_000777.1, residues 442-462): KFAYVPFGAG[Arg452His]HRCIGENFAY